The following is an entry in ClinVar:

ClinVar aggregate classification (germline): Uncertain significance (1 of 4 stars; one submission).

Conditions:
ZFPM2-related disorder. Also called: ZFPM2-related condition.

Submission:

PreventionGenetics, part of Exact Sciences
Classification: Uncertain significance for ZFPM2-related condition. Last evaluated: 2025-01-31. Review status: criteria provided, single submitter. Criteria: ACMG Guidelines, 2015. Collection method: clinical testing. Allele origin: germline.
Comment: The ZFPM2 c.2521G>A variant is predicted to result in the amino acid substitution p.Glu841Lys. To our knowledge, this variant has not been reported in the literature or in a large population database (gnomAD), indicating this variant is rare. At this time, the clinical significance of this variant is uncertain due to the absence of conclusive functional and genetic evidence.

NM_012082.4(ZFPM2):c.2521G>A (p.Glu841Lys)

Genes: ZFPM2 (zinc finger protein, FOG family member 2; plus strand), ZFPM2-AS1 (ZFPM2 antisense RNA 1; minus strand), LOC126860469 (BRD4-independent group 4 enhancer GRCh37_chr8:106814445-106815644; plus strand). Cytogenetic location: 8q23.1.
Variant type: single nucleotide variant.
Coding change: c.2521G>A on transcript NM_012082.4 (MANE Select); coding-DNA position 2521, G replaced by A.
Protein change: p.Glu841Lys; replaces glutamic acid 841 with lysine.
Molecular consequence: missense variant.
Genome position (GRCh38, 1-based): chr8:105,802,603, G>A. VCF-style: chr8-105802603-G-A. GRCh37 (hg19) VCF-style: chr8-106814831-G-A.
Other names: c.2362G>A, p.Glu788Lys (NM_001362836.2); c.2125G>A, p.Glu709Lys (NM_001362837.2); short protein forms E788K, E709K, E841K.
Identifiers: ClinVar variation 4982999 (VCV004982999.1).
Genomic context (GRCh38, chr8:105,802,603, plus strand): 5'-GTTTCCTGCCTAGAGATGGACGTGCCCATAGATCTCAGCAAAAAGTGTTTATCTCAGTCT[G>A]AGCGGACGACCACGTCTCCCAAAAGGCTGCTGGACTATCACGAGTGCACTGTGTGCAAGA-3'
Protein context (NP_036214.2, residues 831-851): DLSKKCLSQS[Glu841Lys]RTTTSPKRLL